The following is an entry in ClinVar:

NM_005732.4(RAD50):c.1802T>C (p.Leu601Pro)

Gene: RAD50 (RAD50 double strand break repair protein; plus strand). Cytogenetic location: 5q31.1.
Variant type: single nucleotide variant.
Coding change: c.1802T>C on transcript NM_005732.4 (MANE Select); coding-DNA position 1802, T replaced by C.
Protein change: p.Leu601Pro; replaces leucine 601 with proline.
Molecular consequence: missense variant.
Genome position (GRCh38, 1-based): chr5:132,594,877, T>C. VCF-style: chr5-132594877-T-C. GRCh37 (hg19) VCF-style: chr5-131930569-T-C.
Other names: short protein forms L601P.
Identifiers: ClinVar variation 1495666 (VCV001495666.8), dbSNP rs1345271674, ClinGen allele CA360947388.

ClinVar aggregate classification (germline): Uncertain significance (1 of 4 stars; one submission).

Conditions:
Hereditary cancer-predisposing syndrome. Also called: Tumor predisposition; Hereditary neoplastic syndrome; Neoplastic Syndromes, Hereditary; Hereditary Cancer Syndrome. Identifiers: Orphanet 140162, MedGen C0027672, MeSH D009386, MONDO:0015356.

Submission:

Labcorp Genetics (formerly Invitae), Labcorp
Classification: Uncertain significance for Hereditary cancer-predisposing syndrome. Last evaluated: 2021-02-14. Review status: criteria provided, single submitter. Criteria: Invitae Variant Classification Sherloc (09022015). Collection method: clinical testing. Allele origin: germline.
Comment: In summary, the available evidence is currently insufficient to determine the role of this variant in disease. Therefore, it has been classified as a Variant of Uncertain Significance. Algorithms developed to predict the effect of missense changes on protein structure and function are either unavailable or do not agree on the potential impact of this missense change (SIFT: "Tolerated"; PolyPhen-2: "Probably Damaging"; Align-GVGD: "Class C0"). This variant has not been reported in the literature in individuals with RAD50-related conditions. This variant is not present in population databases (ExAC no frequency). This sequence change replaces leucine with proline at codon 601 of the RAD50 protein (p.Leu601Pro). The leucine residue is moderately conserved and there is a moderate physicochemical difference between leucine and proline.